The following is an entry in ClinVar:

ClinVar aggregate classification (germline): Benign. Review status: criteria provided, multiple submitters, no conflicts (2 of 4 stars). 2 submissions from 2 submitters: Benign (2). Last evaluated 2020-02-18.

Allele frequency attached by ClinVar (database versions not stated): ESP Exome Variant Server 0.16754; 1000 Genomes Project 0.16953; 1000 Genomes Project 30x 0.17270; TOPMed 0.17926; ExAC 0.22532; gnomAD exomes 0.23479.

Submissions (2):

GeneDx
Classification: Benign. Last evaluated: 2020-02-18. Review status: criteria provided, single submitter. Criteria: GeneDx Variant Classification Process June 2021. Collection method: clinical testing. Allele origin: germline. Affected: yes.
Comment: This variant is associated with the following publications: (PMID: 31178129)

Breakthrough Genomics
Classification: Benign. Review status: criteria provided, single submitter. Criteria: ACMG Guidelines, 2015. Collection method: not provided. Allele origin: germline. Inheritance: Unknown mechanism. Affected: yes.

NM_153236.4(GIMAP7):c.247C>T (p.Arg83Cys)

Gene: GIMAP7 (GTPase, IMAP family member 7; plus strand). Cytogenetic location: 7q36.1.
Variant type: single nucleotide variant.
Coding change: c.247C>T on transcript NM_153236.4 (MANE Select); coding-DNA position 247, C replaced by T.
Protein change: p.Arg83Cys; replaces arginine 83 with cysteine.
Molecular consequence: missense variant.
Genome position (GRCh38, 1-based): chr7:150,520,221, C>T. VCF-style: chr7-150520221-C-T. GRCh37 (hg19) VCF-style: chr7-150217309-C-T.
Other names: short protein forms R83C.
Identifiers: ClinVar variation 1294549 (VCV001294549.3), dbSNP rs3735080, ClinGen allele CA4563705.